The following is an entry in ClinVar:

ClinVar aggregate classification (germline): Uncertain significance. Review status: criteria provided, multiple submitters, no conflicts (2 of 4 stars). 2 submissions from 2 submitters: Uncertain significance (2). Last evaluated 2025-02-28.

Conditions:
Van Maldergem syndrome 1 (VMLDS1). Also called: Van Maldergem syndrome 1 (VMLDS1). Identifiers: Orphanet 314679, MedGen C4551950, MONDO:0011070, OMIM 601390.

Allele frequency attached by ClinVar (database versions not stated): gnomAD exomes below 0.00001.
gnomAD v4.1: 2 of 1,613,204 alleles (0.00012%); highest among the groups gnomAD compares: Non-Finnish European, 0.00017%; no homozygotes.

Submissions (2):

GeneDx
Classification: Uncertain significance. Last evaluated: 2025-02-28. Review status: criteria provided, single submitter. Criteria: GeneDx Variant Classification Process June 2021. Collection method: clinical testing. Allele origin: germline. Affected: yes.
Comment: Not observed at significant frequency in large population cohorts (gnomAD); In silico analysis supports that this missense variant has a deleterious effect on protein structure/function; Has not been previously published as pathogenic or benign to our knowledge

Genomic Research Center, Shahid Beheshti University of Medical Sciences
Classification: Uncertain significance for Van Maldergem syndrome 1. Last evaluated: 2018-08-07. Review status: criteria provided, single submitter. Criteria: ACMG Guidelines, 2015. Collection method: clinical testing. Allele origin: inherited. Affected: yes. Observed: 1 variant allele.

NM_003737.4(DCHS1):c.5821A>G (p.Ser1941Gly)

Gene: DCHS1 (dachsous cadherin-related 1; minus strand). Cytogenetic location: 11p15.4.
Variant type: single nucleotide variant.
Coding change: c.5821A>G on transcript NM_003737.4 (MANE Select); coding-DNA position 5821, A replaced by G.
Protein change: p.Ser1941Gly; replaces serine 1941 with glycine.
Molecular consequence: missense variant.
Genome position (GRCh38, 1-based): chr11:6,627,218, T>C on the plus strand (A>G on the coding strand, the complement: DCHS1 is on the minus strand). VCF-style: chr11-6627218-T-C. GRCh37 (hg19) VCF-style: chr11-6648449-T-C.
Other names: short protein forms S1941G.
Identifiers: ClinVar variation 587461 (VCV000587461.5), dbSNP rs1564861778, ClinGen allele CA379392033.
Genomic context (GRCh38, chr11:6,627,218, plus strand): 5'-GGAAGGTGGGTGCATGGTCATTGACATCGCGCACCGTGATGGTGACAGACACTGTGGTGC[T>C]TAGGGGCCCAGCAGCTGCACCATCCACTGCACTCACAGAAAAGGTGTAGCTGGGACACTG-3'
Protein context (NP_003728.1, residues 1931-1951): AVDGAAAGPL[Ser1941Gly]TTVSVTITVR